The following is an entry in ClinVar:

ClinVar aggregate classification (germline): Uncertain significance. Review status: criteria provided, multiple submitters, no conflicts (2 of 4 stars). 3 submissions from 3 submitters: Uncertain significance (3). Last evaluated 2025-09-17.

Conditions:
Ehlers-Danlos syndrome, spondylodysplastic type, 3. Also called: Ehlers-Danlos syndrome, spondylocheirodysplastic type. Identifiers: Orphanet 157965, MedGen C2676510, MONDO:0012873, OMIM 612350.
Inborn genetic diseases. Identifiers: MedGen C0950123, MeSH D030342.

Allele frequency attached by ClinVar (database versions not stated): gnomAD exomes 0.00002 and 0.00003; TOPMed 0.00002; ExAC 0.00003; gnomAD 0.00003 and 0.00004; ESP Exome Variant Server 0.00008.
gnomAD v4.1: 37 of 1,611,942 alleles (0.0023%); highest among the groups gnomAD compares: Non-Finnish European, 0.0029%; no homozygotes.

Submissions (3):

Women's Health and Genetics/Laboratory Corporation of America, LabCorp
Classification: Uncertain significance. Last evaluated: 2025-09-17. Review status: criteria provided, single submitter. Criteria: LabCorp Variant Classification Summary - May 2015. Collection method: clinical testing. Allele origin: germline.
Comment: Variant summary: SLC39A13 c.833G>C (p.Ser278Thr) results in a conservative amino acid change in the encoded protein sequence. Algorithms developed to predict the effect of missense changes on protein structure and function are either unavailable or do not agree on the potential impact of this missense change. The variant allele was found at a frequency of 2.8e-05 in 249518 control chromosomes. The available data on variant occurrences in the general population are insufficient to allow any conclusion about variant significance. To our knowledge, no occurrence of c.833G>C in individuals affected with SLC39A13-related conditions and no experimental evidence demonstrating its impact on protein function have been reported. ClinVar contains an entry for this variant (Variation ID: 948217). Based on the evidence outlined above, the variant was classified as uncertain significance.

Ambry Genetics
Classification: Uncertain significance for Inborn genetic diseases. Last evaluated: 2022-11-21. Review status: criteria provided, single submitter. Criteria: Ambry Variant Classification Scheme 2023. Collection method: clinical testing. Allele origin: germline.

Labcorp Genetics (formerly Invitae), Labcorp
Classification: Uncertain significance for Ehlers-Danlos syndrome, spondylodysplastic type, 3. Last evaluated: 2022-05-03. Review status: criteria provided, single submitter. Criteria: Invitae Variant Classification Sherloc (09022015). Collection method: clinical testing. Allele origin: germline.
Comment: This sequence change replaces serine, which is neutral and polar, with threonine, which is neutral and polar, at codon 278 of the SLC39A13 protein (p.Ser278Thr). This variant is present in population databases (rs370516835, gnomAD 0.007%). This variant has not been reported in the literature in individuals affected with SLC39A13-related conditions. ClinVar contains an entry for this variant (Variation ID: 948217). Algorithms developed to predict the effect of missense changes on protein structure and function output the following: SIFT: "Tolerated"; PolyPhen-2: "Benign"; Align-GVGD: "Class C0". The threonine amino acid residue is found in multiple mammalian species, which suggests that this missense change does not adversely affect protein function. In summary, the available evidence is currently insufficient to determine the role of this variant in disease. Therefore, it has been classified as a Variant of Uncertain Significance.

NM_001128225.3(SLC39A13):c.833G>C (p.Ser278Thr)

Gene: SLC39A13 (solute carrier family 39 member 13; plus strand). Cytogenetic location: 11p11.2.
Variant type: single nucleotide variant.
Coding change: c.833G>C on transcript NM_001128225.3 (MANE Select); coding-DNA position 833, G replaced by C.
Protein change: p.Ser278Thr; replaces serine 278 with threonine.
Molecular consequence: missense variant. On other transcripts: non-coding transcript variant (1).
Genome position (GRCh38, 1-based): chr11:47,414,823, G>C. VCF-style: chr11-47414823-G-C. GRCh37 (hg19) VCF-style: chr11-47436374-G-C.
Other names: c.833G>C, p.Ser278Thr (NM_001330245.2, NM_152264.5); short protein forms S278T.
Identifiers: ClinVar variation 948217 (VCV000948217.11), dbSNP rs370516835, ClinGen allele CA5975965.
Genomic context (GRCh38, chr11:47,414,823, plus strand): 5'-GGACCTCCCTTCAGGTGGGCGACTTTGCCATCCTGCTCCGGGCCGGCTTTGACCGATGGA[G>C]CGCAGCCAAGCTGCAACTCTCAACAGCGCTGGGGGGCCTACTGGGCGCTGGCTTCGCCAT-3'
Protein context (NP_001121697.2, residues 268-288): ILLRAGFDRW[Ser278Thr]AAKLQLSTAL